The following is an entry in ClinVar:

ClinVar aggregate classification (germline): Uncertain significance (1 of 4 stars; one submission).

Conditions:
CERKL-related disorder. Also called: CERKL-related condition.

gnomAD v4.1: 3 of 1,614,076 alleles (0.00019%); highest among the groups gnomAD compares: Non-Finnish European, 0.00025%; no homozygotes.

Submission:

PreventionGenetics, part of Exact Sciences
Classification: Uncertain significance for CERKL-related condition. Last evaluated: 2026-09-21. Review status: criteria provided, single submitter. Criteria: ACMG Guidelines, 2015. Collection method: clinical testing. Allele origin: germline.
Comment: The CERKL c.1105A>T variant is predicted to result in the amino acid substitution p.Asn369Tyr. To our knowledge, this variant has not been reported in the literature. This variant is reported in 0.0026% of alleles in individuals of European (Non-Finnish) descent in gnomAD. At this time, the clinical significance of this variant is uncertain due to the absence of conclusive functional and genetic evidence.

NM_201548.5(CERKL):c.1027A>T (p.Asn343Tyr)

Gene: CERKL (CERK like autophagy regulator; minus strand). Cytogenetic location: 2q31.3.
Variant type: single nucleotide variant.
Coding change: c.1027A>T on transcript NM_201548.5 (MANE Select); coding-DNA position 1027, A replaced by T.
Protein change: p.Asn343Tyr; replaces asparagine 343 with tyrosine.
Molecular consequence: missense variant. On other transcripts: non-coding transcript variant (2).
Genome position (GRCh38, 1-based): chr2:181,548,726, T>A on the plus strand (A>T on the coding strand, the complement: CERKL is on the minus strand). VCF-style: chr2-181548726-T-A. GRCh37 (hg19) VCF-style: chr2-182413453-T-A.
Other names: c.1105A>T, p.Asn369Tyr (NM_001030311.3); c.688A>T, p.Asn230Tyr (NM_001030312.3); c.820A>T, p.Asn274Tyr (NM_001030313.3); c.973A>T, p.Asn325Tyr (NM_001160277.2); short protein forms N325Y, N274Y, N369Y, N230Y, N343Y.
Identifiers: ClinVar variation 5001131 (VCV005001131.1).
Genomic context (GRCh38, chr2:181,548,726, plus strand): 5'-AGAAAAAGACTTACTTAAGTTTTGCCAGTGCCTTAACAACAGCAAAATCTCTCCGTTGGT[T>A]AGGGGACATCCATCGATATTTTTCTGCCAGAGCCAAAGTTCTTCCACCAAAGCCAAACAT-3'
Protein context (NP_963842.1, residues 333-353): LAEKYRWMSP[Asn343Tyr]QRRDFAVVKA